The following is an entry in ClinVar:

ClinVar aggregate classification (germline): Uncertain significance. Review status: criteria provided, multiple submitters, no conflicts (2 of 4 stars). 4 submissions from 4 submitters: Uncertain significance (4). Last evaluated 2025-10-20.

Conditions:
Hereditary cancer-predisposing syndrome. Also called: Neoplastic Syndromes, Hereditary; Tumor predisposition; Hereditary neoplastic syndrome; Hereditary Cancer Syndrome. Identifiers: Orphanet 140162, MedGen C0027672, MeSH D009386, MONDO:0015356.
Familial cancer of breast. Also called: BREAST CANCER, FAMILIAL; Hereditary breast cancer; hereditary breast carcinoma. Identifiers: Orphanet 227535, MedGen C0346153, MONDO:0016419, OMIM 114480. Disease mechanism: loss of function.
Fanconi anemia complementation group J. Also called: BRIP1-Related Fanconi Anemia. Identifiers: Orphanet 84, MedGen C1836860, MONDO:0012187, OMIM 609054.

Allele frequency attached by ClinVar (database versions not stated): gnomAD exomes 0.00001; ExAC 0.00002.
gnomAD v4.1: 4 of 1,614,128 alleles (0.00025%); highest among the groups gnomAD compares: Non-Finnish European, 0.00034%; no homozygotes.

Submissions (4):

Dasa
Classification: Uncertain significance. Last evaluated: 2025-10-20. Review status: criteria provided, single submitter. Criteria: DASA Assertion Criteria. Collection method: clinical testing. Allele origin: germline.
Comment: NM_032043.3(BRIP1):c.2617A>G (p.Thr873Ala) is a missense variant that results in the substitution of threonine with alanine. This variant is rare in population databases. Computational prediction algorithms are consistent with a benign effect. The currently available literature and clinical evidence are not sufficient to establish a definitive association between this variant and the reported condition. Therefore, this variant is classified as a variant of uncertain significance.

Labcorp Genetics (formerly Invitae), Labcorp
Classification: Uncertain significance for Familial cancer of breast; Fanconi anemia complementation group J. Last evaluated: 2024-08-21. Review status: criteria provided, single submitter. Criteria: Invitae Variant Classification Sherloc (09022015). Collection method: clinical testing. Allele origin: germline.
Comment: This sequence change replaces threonine, which is neutral and polar, with alanine, which is neutral and non-polar, at codon 873 of the BRIP1 protein (p.Thr873Ala). This variant is present in population databases (rs758444508, gnomAD 0.003%). This variant has not been reported in the literature in individuals affected with BRIP1-related conditions. ClinVar contains an entry for this variant (Variation ID: 461120). Invitae Evidence Modeling of protein sequence and biophysical properties (such as structural, functional, and spatial information, amino acid conservation, physicochemical variation, residue mobility, and thermodynamic stability) indicates that this missense variant is not expected to disrupt BRIP1 protein function with a negative predictive value of 80%. In summary, the available evidence is currently insufficient to determine the role of this variant in disease. Therefore, it has been classified as a Variant of Uncertain Significance.

Ambry Genetics
Classification: Uncertain significance for Hereditary cancer-predisposing syndrome. Last evaluated: 2024-07-11. Review status: criteria provided, single submitter. Criteria: Ambry Variant Classification Scheme 2023. Collection method: clinical testing. Allele origin: germline.
Comment: The p.T873A variant (also known as c.2617A>G), located in coding exon 18 of the BRIP1 gene, results from an A to G substitution at nucleotide position 2617. The threonine at codon 873 is replaced by alanine, an amino acid with similar properties. This amino acid position is well conserved in available vertebrate species. In addition, this alteration is predicted to be tolerated by in silico analysis. Since supporting evidence is limited at this time, the clinical significance of this alteration remains unclear.

Color Diagnostics, LLC DBA Color Health
Classification: Uncertain significance for Hereditary cancer-predisposing syndrome. Last evaluated: 2024-03-06. Review status: criteria provided, single submitter. Criteria: ACMG Guidelines, 2015. Collection method: clinical testing. Allele origin: germline.
Comment: This missense variant replaces threonine with alanine at codon 873 of the BRIP1 protein. Computational prediction suggests that this variant may not impact protein structure and function (internally defined REVEL score threshold <= 0.5, PMID: 27666373). To our knowledge, functional studies have not been reported for this variant. This variant has not been reported in individuals affected with hereditary cancer in the literature. This variant has been identified in 3/251054 chromosomes in the general population by the Genome Aggregation Database (gnomAD). The available evidence is insufficient to determine the role of this variant in disease conclusively. Therefore, this variant is classified as a Variant of Uncertain Significance.

NM_032043.3(BRIP1):c.2617A>G (p.Thr873Ala)

Gene: BRIP1 (BRCA1 interacting DNA helicase 1; minus strand). Cytogenetic location: 17q23.2.
Variant type: single nucleotide variant.
Coding change: c.2617A>G on transcript NM_032043.3 (MANE Select); coding-DNA position 2617, A replaced by G.
Protein change: p.Thr873Ala; replaces threonine 873 with alanine.
Molecular consequence: missense variant.
Genome position (GRCh38, 1-based): chr17:61,686,124, T>C on the plus strand (A>G on the coding strand, the complement: BRIP1 is on the minus strand). VCF-style: chr17-61686124-T-C. GRCh37 (hg19) VCF-style: chr17-59763485-T-C.
Other names: short protein forms T873A.
Identifiers: ClinVar variation 461120 (VCV000461120.19), dbSNP rs758444508, ClinGen allele CA8690469.